The following is an entry in ClinVar:

NM_016507.4(CDK12):c.1498A>G (p.Thr500Ala)

Gene: CDK12 (cyclin dependent kinase 12; plus strand). Cytogenetic location: 17q12.
Variant type: single nucleotide variant.
Coding change: c.1498A>G on transcript NM_016507.4 (MANE Select); coding-DNA position 1498, A replaced by G.
Protein change: p.Thr500Ala; replaces threonine 500 with alanine.
Molecular consequence: missense variant.
Genome position (GRCh38, 1-based): chr17:39,471,330, A>G. VCF-style: chr17-39471330-A-G. GRCh37 (hg19) VCF-style: chr17-37627583-A-G.
Other names: c.1498A>G, p.Thr500Ala (NM_015083.4); short protein forms T500A.
Identifiers: ClinVar variation 4868463 (VCV004868463.1).

ClinVar aggregate classification (germline): Uncertain significance (1 of 4 stars; one submission).

Submission:

Ambry Genetics
Classification: Uncertain significance. Last evaluated: 2026-03-28. Review status: criteria provided, single submitter. Criteria: Ambry Variant Classification Scheme 2023. Collection method: clinical testing. Allele origin: germline.
Comment: The p.T500A variant (also known as c.1498A>G), located in coding exon 2 of the CDK12 gene, results from an A to G substitution at nucleotide position 1498. The threonine at codon 500 is replaced by alanine, an amino acid with similar properties. This amino acid position is conserved. In addition, this alteration is predicted to be tolerated by in silico analysis. Based on the available evidence, the clinical significance of this variant remains unclear.